The following is an entry in ClinVar:

ClinVar aggregate classification (germline): Pathogenic (1 of 4 stars; one submission).

Conditions:
Lynch syndrome 4 (LYNCH4). Also called: Colorectal cancer, hereditary nonpolyposis, type 4; Hereditary non-polyposis colorectal cancer, type 4. Identifiers: Orphanet 144, MedGen C1838333, MONDO:0013699, OMIM 614337. Disease mechanism: loss of function.

Submission:

Myriad Genetics, Inc.
Classification: Pathogenic for Lynch syndrome 4. Last evaluated: 2025-02-19. Review status: criteria provided, single submitter. Criteria: Myriad Autosomal Dominant, Autosomal Recessive and X-Linked Classification Criteria (2023). Collection method: clinical testing. Allele origin: unknown.
Comment: This variant is considered pathogenic. This variant creates a frameshift predicted to result in premature protein truncation.

NM_000535.7(PMS2):c.1113_1116del (p.Asn371fs)

Gene: PMS2 (PMS1 homolog 2, mismatch repair system component; minus strand). Cytogenetic location: 7p22.1.
Variant type: Deletion.
Coding change: c.1113_1116del on transcript NM_000535.7 (MANE Select); coding-DNA positions 1113 to 1116, 4 bases deleted (TGTC; older notation c.1113_1116delTGTC).
Protein change: p.Asn371fs; shifts the reading frame from asparagine 371.
Molecular consequence: frameshift variant. On other transcripts: non-coding transcript variant (1), intron variant (10).
Genome position (GRCh38, 1-based): chr7:5,989,828-5,989,831, GACA deleted on the plus strand (TGTC on the coding strand, the reverse complement: PMS2 is on the minus strand). VCF-style (leftmost placement, unchanged base first): chr7-5989827-TGACA-T. GRCh37 (hg19) VCF-style: chr7-6029458-TGACA-T.
Other names: c.708_711del, p.Asn236fs (NM_001322003.2, NM_001322004.2, NM_001322005.2 and 16 more transcripts); c.795_798del, p.Asn265fs (NM_001322007.2, NM_001322008.2, NM_001406876.1 and 2 more transcripts); c.180_183del, p.Asn60fs (NM_001322011.2, NM_001322012.2); c.540_543del, p.Asn180fs (NM_001322013.2, NM_001406909.1); c.1113_1116del, p.Asn371fs (NM_001322014.2, NM_001406871.1, NM_001406872.1); c.804_807del, p.Asn268fs (NM_001322015.2, NM_001406875.1, NM_001406877.1 and 5 more transcripts); c.1299_1302del, p.Asn433fs (NM_001406866.1); c.1137_1140del, p.Asn379fs (NM_001406868.1); and 13 more; short protein forms N114fs, N180fs, N200fs, N236fs, N249fs, N259fs, N265fs, N268fs.
Identifiers: ClinVar variation 3904723 (VCV003904723.1).